The following is an entry in ClinVar:

ClinVar aggregate classification (germline): Likely pathogenic (1 of 4 stars; one submission).

Conditions:
Neurofibromatosis, type 1 (NF1). Also called: Neurofibromatosis, type I; VON RECKLINGHAUSEN DISEASE; Peripheral type neurofibromatosis; NEUROFIBROMATOSIS, TYPE I, SOMATIC. Identifiers: Orphanet 636, MedGen C0027831, MONDO:0018975, OMIM 162200. Disease mechanism: loss of function.

Allele frequency attached by ClinVar (database versions not stated): gnomAD exomes below 0.00001.
gnomAD v4.1: 1 of 1,613,856 alleles (0.000062%); highest among the groups gnomAD compares: Non-Finnish European, 0.000085%; no homozygotes.

Submission:

Labcorp Genetics (formerly Invitae), Labcorp
Classification: Likely pathogenic for Neurofibromatosis, type 1. Last evaluated: 2020-08-20. Review status: criteria provided, single submitter. Criteria: Invitae Variant Classification Sherloc (09022015). Collection method: clinical testing. Allele origin: germline.
Comment: This sequence change affects an acceptor splice site in intron 48 of the NF1 gene. It is expected to disrupt RNA splicing and likely results in an absent or disrupted protein product. This variant is not present in population databases (ExAC no frequency). This variant has not been reported in the literature in individuals with NF1-related conditions. Algorithms developed to predict the effect of sequence changes on RNA splicing suggest that this variant may disrupt the consensus splice site, but this prediction has not been confirmed by published transcriptional studies. Donor and acceptor splice site variants typically lead to a loss of protein function (PMID: 16199547), and loss-of-function variants in NF1 are known to be pathogenic (PMID: 10712197, 23913538). In summary, the currently available evidence indicates that the variant is pathogenic, but additional data are needed to prove that conclusively. Therefore, this variant has been classified as Likely Pathogenic.

Literature cited by the submitters: PubMed 16199547; PubMed 10712197; PubMed 23913538.

NM_001042492.3(NF1):c.7322-1G>C

Gene: NF1 (neurofibromin 1; plus strand). Cytogenetic location: 17q11.2.
Variant type: single nucleotide variant.
Coding change: c.7322-1G>C on transcript NM_001042492.3 (MANE Select); the canonical splice acceptor site of the intron before coding-DNA position 7322, G replaced by C.
Molecular consequence: splice acceptor variant.
Genome position (GRCh38, 1-based): chr17:31,350,182, G>C. VCF-style: chr17-31350182-G-C. GRCh37 (hg19) VCF-style: chr17-29677200-G-C.
Other names: c.7259-1G>C (NM_000267.4).
Identifiers: ClinVar variation 852863 (VCV000852863.7), dbSNP rs2070102904, ClinGen allele CA399016943.